The following is an entry in ClinVar:

NM_001165963.4(SCN1A):c.*1952T>C

Genes: SCN1A (sodium voltage-gated channel alpha subunit 1; minus strand), LOC102724058 (uncharacterized LOC102724058; plus strand). Cytogenetic location: 2q24.3.
Variant type: single nucleotide variant.
Coding change: c.*1952T>C on transcript NM_001165963.4 (MANE Select); 1952 bases downstream of the stop codon, T replaced by C.
Molecular consequence: 3 prime UTR variant. On other transcripts: non-coding transcript variant (1).
Genome position (GRCh38, 1-based): chr2:165,989,293, A>G on the plus strand (T>C on the coding strand, the complement: SCN1A is on the minus strand). VCF-style: chr2-165989293-A-G. GRCh37 (hg19) VCF-style: chr2-166845803-A-G.
Other names: c.*1952T>C (NM_001165964.3, NM_001202435.3, NM_001353948.2 and 11 more transcripts).
Identifiers: ClinVar variation 331857 (VCV000331857.7), dbSNP rs184794128, ClinGen allele CA10612477.
Genomic context (GRCh38, chr2:165,989,293, plus strand): 5'-GCATTTTCCAGCATGCAGTTCACGAATACAGTTTATCTAAGTAGTTTTAAGGAAAAGAGG[A>G]GCCTATGGTTTGCTTCTGTAAGAAACACAAAATGTCCTGATGTAATTGACTATATAAGTT-3'

ClinVar aggregate classification (germline): Benign/Likely benign. Review status: criteria provided, multiple submitters, no conflicts (2 of 4 stars). 3 submissions from 2 submitters: Benign (1); Likely benign (2). Last evaluated 2021-05-24.

Conditions:
Generalized epilepsy with febrile seizures plus, type 2 (GEFSP2). Also called: GEFS+, TYPE 2. Identifiers: Orphanet 36387, MedGen C1858673, MONDO:0011461, OMIM 604403.
Migraine, familial hemiplegic, 3. Identifiers: Orphanet 569, MedGen C1864987, MONDO:0012320, OMIM 609634.

Allele frequency attached by ClinVar (database versions not stated): 1000 Genomes Project 0.00539; 1000 Genomes Project 30x 0.00547; gnomAD 0.00573 and 0.00627; TOPMed 0.00667.

Submissions (3):

GeneDx
Classification: Likely benign. Last evaluated: 2021-05-24. Review status: criteria provided, single submitter. Criteria: GeneDx Variant Classification Process June 2021. Collection method: clinical testing. Allele origin: germline. Affected: yes.

Illumina Laboratory Services, Illumina
Classification: Benign for Migraine, familial hemiplegic, 3. Last evaluated: 2018-01-12. Review status: criteria provided, single submitter. Criteria: ICSL Variant Classification Criteria 13 December 2019. Collection method: clinical testing. Allele origin: germline.
Comment: This variant was observed in the ICSL laboratory as part of a predisposition screen in an ostensibly healthy population. It had not been previously curated by ICSL or reported in the Human Gene Mutation Database (HGMD: prior to June 1st, 2018), and was therefore a candidate for classification through an automated scoring system. Utilizing variant allele frequency, disease prevalence and penetrance estimates, and inheritance mode, an automated score was calculated to assess if this variant is too frequent to cause the disease. Based on the score and internal cut-off values, a variant classified as benign is not then subjected to further curation. The score for this variant resulted in a classification of benign for this disease.

Illumina Laboratory Services, Illumina
Classification: Likely benign for Generalized epilepsy with febrile seizures plus, type 2. Last evaluated: 2018-01-12. Review status: criteria provided, single submitter. Criteria: ICSL Variant Classification Criteria 13 December 2019. Collection method: clinical testing. Allele origin: germline.
Comment: This variant was observed in the ICSL laboratory as part of a predisposition screen in an ostensibly healthy population. It had not been previously curated by ICSL or reported in the Human Gene Mutation Database (HGMD: prior to June 1st, 2018), and was therefore a candidate for classification through an automated scoring system. Utilizing variant allele frequency, disease prevalence and penetrance estimates, and inheritance mode, an automated score was calculated to assess if this variant is too frequent to cause the disease. Based on the score and internal cut-off values, a variant classified as likely benign is not then subjected to further curation. The score for this variant resulted in a classification of likely benign for this disease.